The following is an entry in ClinVar:

NM_000051.4(ATM):c.2316_2317del (p.Arg772fs)

Gene: ATM (ATM serine/threonine kinase; plus strand). Cytogenetic location: 11q22.3.
Variant type: Deletion.
Coding change: c.2316_2317del on transcript NM_000051.4 (MANE Select); coding-DNA positions 2316 to 2317, 2 bases deleted (AA; older notation c.2316_2317delAA).
Protein change: p.Arg772fs; shifts the reading frame from arginine 772.
Molecular consequence: frameshift variant.
Genome position (GRCh38, 1-based): chr11:108,257,546-108,257,547, AA deleted. VCF-style (leftmost placement, unchanged base first): chr11-108257545-GAA-G. GRCh37 (hg19) VCF-style: chr11-108128272-GAA-G.
Other names: c.2316_2317del, p.Arg772fs (NM_001351834.2); short protein forms R772fs.
Identifiers: ClinVar variation 1789487 (VCV001789487.2), dbSNP rs2497386486, ClinGen allele CA2580083346.

ClinVar aggregate classification (germline): Pathogenic (1 of 4 stars; one submission).

Conditions:
Hereditary cancer-predisposing syndrome. Also called: Hereditary Cancer Syndrome; Hereditary neoplastic syndrome; Tumor predisposition; Neoplastic Syndromes, Hereditary. Identifiers: Orphanet 140162, MedGen C0027672, MeSH D009386, MONDO:0015356.

Submission:

Ambry Genetics
Classification: Pathogenic for Hereditary cancer-predisposing syndrome. Last evaluated: 2019-03-21. Review status: criteria provided, single submitter. Criteria: Ambry Variant Classification Scheme 2023. Collection method: clinical testing. Allele origin: germline.
Comment: The c.2316_2317delAA pathogenic mutation, located in coding exon 14 of the ATM gene, results from a deletion of two nucleotides at nucleotide positions 2316 to 2317, causing a translational frameshift with a predicted alternate stop codon (p.R772Sfs*25). This alteration is expected to result in loss of function by premature protein truncation or nonsense-mediated mRNA decay. As such, this alteration is interpreted as a disease-causing mutation.